The following is an entry in ClinVar:

NM_000038.6(APC):c.7142A>C (p.Gln2381Pro)

Gene: APC (APC regulator of Wnt signaling pathway; plus strand). Cytogenetic location: 5q22.2.
Variant type: single nucleotide variant.
Coding change: c.7142A>C on transcript NM_000038.6 (MANE Select); coding-DNA position 7142, A replaced by C.
Protein change: p.Gln2381Pro; replaces glutamine 2381 with proline.
Molecular consequence: missense variant.
Genome position (GRCh38, 1-based): chr5:112,842,736, A>C. VCF-style: chr5-112842736-A-C. GRCh37 (hg19) VCF-style: chr5-112178433-A-C.
Other names: c.7019A>C, p.Gln2340Pro (NM_001354900.2); c.6965A>C, p.Gln2322Pro (NM_001354901.2); c.6869A>C, p.Gln2290Pro (NM_001354902.2); c.6764A>C, p.Gln2255Pro (NM_001354904.2); c.6839A>C, p.Gln2280Pro (NM_001354903.2); c.6662A>C, p.Gln2221Pro (NM_001354905.2); c.6293A>C, p.Gln2098Pro (NM_001354906.2); c.7142A>C, p.Gln2381Pro (NM_001127510.3, NM_001354895.2); and 5 more; short protein forms Q2363P, Q2381P, Q2322P, Q2391P, Q2399P, Q2098P, Q2340P, Q2356P.
Identifiers: ClinVar variation 482408 (VCV000482408.13), dbSNP rs1554088077, ClinGen allele CA16036885.
Genomic context (GRCh38, chr5:112,842,736, plus strand): 5'-CTGGAAAAATGTCATATACATCTCCAGGTAGACAGATGAGCCAACAGAACCTTACCAAAC[A>C]AACAGGTTTATCCAAGAATGCCAGTAGTATTCCAAGAAGTGAGTCTGCCTCCAAAGGACT-3'
Protein context (NP_000029.2, residues 2371-2391): RQMSQQNLTK[Gln2381Pro]TGLSKNASSI

ClinVar aggregate classification (germline): Uncertain significance. Review status: criteria provided, multiple submitters, no conflicts (2 of 4 stars). 2 submissions from 2 submitters: Uncertain significance (2). Last evaluated 2021-07-10.

Conditions:
Hereditary cancer-predisposing syndrome. Also called: Neoplastic Syndromes, Hereditary; Tumor predisposition; Hereditary Cancer Syndrome; Hereditary neoplastic syndrome. Identifiers: Orphanet 140162, MedGen C0027672, MeSH D009386, MONDO:0015356.
Familial adenomatous polyposis 1 (FAP1). Also called: FAMILIAL ADENOMATOUS POLYPOSIS 1, ATTENUATED; POLYPOSIS, ADENOMATOUS INTESTINAL. Identifiers: MedGen C2713442, MONDO:0021056, OMIM 175100. Disease mechanism: loss of function.

Submissions (2):

Labcorp Genetics (formerly Invitae), Labcorp
Classification: Uncertain significance for Familial adenomatous polyposis 1. Last evaluated: 2021-07-10. Review status: criteria provided, single submitter. Criteria: Invitae Variant Classification Sherloc (09022015). Collection method: clinical testing. Allele origin: germline.
Comment: This sequence change replaces glutamine with proline at codon 2381 of the APC protein (p.Gln2381Pro). The glutamine residue is highly conserved and there is a moderate physicochemical difference between glutamine and proline. This variant is not present in population databases (ExAC no frequency). This variant has not been reported in the literature in individuals affected with APC-related conditions. ClinVar contains an entry for this variant (Variation ID: 482408). Algorithms developed to predict the effect of missense changes on protein structure and function (SIFT, PolyPhen-2, Align-GVGD) all suggest that this variant is likely to be tolerated. In summary, the available evidence is currently insufficient to determine the role of this variant in disease. Therefore, it has been classified as a Variant of Uncertain Significance.

Ambry Genetics
Classification: Uncertain significance for Hereditary cancer-predisposing syndrome. Last evaluated: 2016-09-20. Review status: criteria provided, single submitter. Criteria: Ambry Variant Classification Scheme 2023. Collection method: clinical testing. Allele origin: germline.
Comment: The p.Q2381P variant (also known as c.7142A>C), located in coding exon 15 of the APC gene, results from an A to C substitution at nucleotide position 7142. The glutamine at codon 2381 is replaced by proline, an amino acid with similar properties. This variant was not reported in population based cohorts in the following databases: Database of Single Nucleotide Polymorphisms (dbSNP), NHLBI Exome Sequencing Project (ESP), and 1000 Genomes Project. In the ESP, this variant was not observed in 6501 samples (13002 alleles) with coverage at this position. To date, this alteration has been detected with an allele frequency of approximately 0.001% (greater than 90000 alleles tested) in our clinical cohort. This amino acid position is highly conserved in available vertebrate species. In addition, in silico predictors for this gene do not accurately predict pathogenicity. Since supporting evidence is limited at this time, the clinical significance of this alteration remains unclear.